The following is an entry in ClinVar:

NM_001206927.2(DNAH8):c.11169T>C (p.Leu3723=)

Genes: DNAH8 (dynein axonemal heavy chain 8; plus strand), DNAH8-AS1 (DNAH8 antisense RNA 1; minus strand). Cytogenetic location: 6p21.2.
Variant type: single nucleotide variant.
Coding change: c.11169T>C on transcript NM_001206927.2 (MANE Select); coding-DNA position 11169, T replaced by C.
Protein change: p.Leu3723=; no amino-acid change (leucine 3723 retained).
Molecular consequence: synonymous variant.
Genome position (GRCh38, 1-based): chr6:38,929,561, T>C. VCF-style: chr6-38929561-T-C. GRCh37 (hg19) VCF-style: chr6-38897337-T-C.
Other names: c.11169T>C (NM_001206927.1); c.10518T>C, p.Leu3506= (NM_001371.4).
Identifiers: ClinVar variation 2072177 (VCV002072177.6), dbSNP rs551436558, ClinGen allele CA3790945.

ClinVar aggregate classification (germline): Likely benign. Review status: criteria provided, single submitter (1 of 4 stars). 2 submissions from 2 submitters: Likely benign (1). 1 of the submissions does not count toward it. Last evaluated 2024-01-18.

Conditions:
DNAH8-related disorder. Also called: DNAH8-related condition.
Primary ciliary dyskinesia. Also called: Ciliary dyskinesia. Identifiers: Orphanet 244, MedGen C0008780, MONDO:0016575, HP:0012265.

Allele frequency attached by ClinVar (database versions not stated): gnomAD exomes 0.00001; ExAC 0.00002; gnomAD 0.00002.
gnomAD v4.1: 27 of 1,613,074 alleles (0.0017%); highest among the groups gnomAD compares: Middle Eastern, 0.066%; no homozygotes.

Submissions (2):

Labcorp Genetics (formerly Invitae), Labcorp
Classification: Likely benign for Primary ciliary dyskinesia. Last evaluated: 2024-01-18. Review status: criteria provided, single submitter. Criteria: Invitae Variant Classification Sherloc (09022015). Collection method: clinical testing. Allele origin: germline.

PreventionGenetics, part of Exact Sciences
Classification: Likely benign for DNAH8-related condition. Last evaluated: 2019-03-01. Review status: no assertion criteria provided. Collection method: clinical testing. Allele origin: germline. Not counted in ClinVar's aggregate classification.
Comment: This variant is classified as likely benign based on ACMG/AMP sequence variant interpretation guidelines (Richards et al. 2015 PMID: 25741868, with internal and published modifications).